The following is an entry in ClinVar:

ClinVar aggregate classification (germline): Uncertain significance (1 of 4 stars; one submission).

Conditions:
Inborn genetic diseases. Identifiers: MedGen C0950123, MeSH D030342.

Allele frequency attached by ClinVar (database versions not stated): gnomAD exomes below 0.00001; ExAC 0.00002.
gnomAD v4.1: 2 of 1,613,462 alleles (0.00012%); highest among the groups gnomAD compares: Non-Finnish European, 0.00017%; no homozygotes.

Submission:

Ambry Genetics
Classification: Uncertain significance for Inborn genetic diseases. Last evaluated: 2022-12-02. Review status: criteria provided, single submitter. Criteria: Ambry Variant Classification Scheme 2023. Collection method: clinical testing. Allele origin: germline.
Comment: The c.6208C>T (p.P2070S) alteration is located in exon 37 (coding exon 37) of the ANK3 gene. This alteration results from a C to T substitution at nucleotide position 6208, causing the proline (P) at amino acid position 2070 to be replaced by a serine (S). Based on data from gnomAD, the T allele has an overall frequency of 0.001% (2/250056) total alleles studied. The highest observed frequency was 0.002% (2/113172) of European (non-Finnish) alleles. This amino acid position is highly conserved in available vertebrate species. This alteration is predicted to be tolerated by in silico analysis. Based on insufficient or conflicting evidence, the clinical significance of this alteration remains unclear.

NM_020987.5(ANK3):c.6208C>T (p.Pro2070Ser)

Gene: ANK3 (ankyrin 3; minus strand). Cytogenetic location: 10q21.2.
Variant type: single nucleotide variant.
Coding change: c.6208C>T on transcript NM_020987.5 (MANE Select); coding-DNA position 6208, C replaced by T.
Protein change: p.Pro2070Ser; replaces proline 2070 with serine.
Molecular consequence: missense variant. On other transcripts: intron variant (4).
Genome position (GRCh38, 1-based): chr10:60,074,673, G>A on the plus strand (C>T on the coding strand, the complement: ANK3 is on the minus strand). VCF-style: chr10-60074673-G-A. GRCh37 (hg19) VCF-style: chr10-61834431-G-A.
Other names: c.4387+5864C>T (NM_001204403.2); c.4408+5864C>T (NM_001204404.2); c.4405+5864C>T (NM_001320874.2); c.1807+5864C>T (NM_001149.4); short protein forms P2070S.
Identifiers: ClinVar variation 2332093 (VCV002332093.2), dbSNP rs763122489, ClinGen allele CA5511907.